The following is an entry in ClinVar:

NM_001200.4(BMP2):c.834_835del (p.Glu280fs)

Gene: BMP2 (bone morphogenetic protein 2; plus strand). Cytogenetic location: 20p12.3.
Variant type: Deletion.
Coding change: c.834_835del on transcript NM_001200.4 (MANE Select); coding-DNA positions 834 to 835, 2 bases deleted (AA; older notation c.834_835delAA).
Protein change: p.Glu280fs; shifts the reading frame from glutamic acid 280.
Molecular consequence: frameshift variant.
Genome position (GRCh38, 1-based): chr20:6,778,732-6,778,733, AA deleted; deleting any 2 consecutive bases within chr20:6,778,730-6,778,733 gives the same sequence; the c. name uses the placement nearest the transcript's 3' end. VCF-style (leftmost placement, unchanged base first): chr20-6778729-CAA-C. GRCh37 (hg19) VCF-style: chr20-6759376-CAA-C.
Other names: short protein forms E280fs.
Identifiers: ClinVar variation 2809346 (VCV002809346.3), dbSNP rs2514426884, ClinGen allele CA2739277040.

ClinVar aggregate classification (germline): Pathogenic (1 of 4 stars; one submission).

Submission:

Labcorp Genetics (formerly Invitae), Labcorp
Classification: Pathogenic. Last evaluated: 2022-10-21. Review status: criteria provided, single submitter. Criteria: Invitae Variant Classification Sherloc (09022015). Collection method: clinical testing. Allele origin: germline.
Comment: For these reasons, this variant has been classified as Pathogenic. This premature translational stop signal has been observed in individual(s) with clinical features of BMP2-related conditions (Invitae). In at least one individual the variant was observed to be de novo. This variant is not present in population databases (gnomAD no frequency). This sequence change creates a premature translational stop signal (p.Glu280Lysfs*13) in the BMP2 gene. While this is not anticipated to result in nonsense mediated decay, it is expected to disrupt the last 117 amino acid(s) of the BMP2 protein.